The following is an entry in ClinVar:

ClinVar aggregate classification (germline): Uncertain significance (1 of 4 stars; one submission).

Conditions:
Spastic paraplegia. Identifiers: MedGen C0037772, HP:0001258.

gnomAD v4.1: 1 of 1,612,842 alleles (0.000062%); highest among the groups gnomAD compares: Non-Finnish European, 0.000085%; no homozygotes.

Submission:

Labcorp Genetics (formerly Invitae), Labcorp
Classification: Uncertain significance for Spastic paraplegia. Last evaluated: 2025-08-06. Review status: criteria provided, single submitter. Criteria: Invitae Variant Classification Sherloc (09022015). Collection method: clinical testing. Allele origin: germline.
Comment: This sequence change replaces isoleucine, which is neutral and non-polar, with valine, which is neutral and non-polar, at codon 143 of the KIF5A protein (p.Ile143Val). This variant is not present in population databases (gnomAD no frequency). This variant has not been reported in the literature in individuals affected with KIF5A-related conditions. Invitae Evidence Modeling of protein sequence and biophysical properties (such as structural, functional, and spatial information, amino acid conservation, physicochemical variation, residue mobility, and thermodynamic stability) has been performed for this missense variant. However, the output from this modeling did not meet the statistical confidence thresholds required to predict the impact of this variant on KIF5A protein function. In summary, the available evidence is currently insufficient to determine the role of this variant in disease. Therefore, it has been classified as a Variant of Uncertain Significance.

NM_004984.4(KIF5A):c.427A>G (p.Ile143Val)

Gene: KIF5A (kinesin family member 5A; plus strand). Cytogenetic location: 12q13.3.
Variant type: single nucleotide variant.
Coding change: c.427A>G on transcript NM_004984.4 (MANE Select); coding-DNA position 427, A replaced by G.
Protein change: p.Ile143Val; replaces isoleucine 143 with valine.
Molecular consequence: missense variant.
Genome position (GRCh38, 1-based): chr12:57,564,490, A>G. VCF-style: chr12-57564490-A-G. GRCh37 (hg19) VCF-style: chr12-57958273-A-G.
Other names: c.160A>G, p.Ile54Val (NM_001354705.2); short protein forms I143V, I54V.
Identifiers: ClinVar variation 4770709 (VCV004770709.1).